The following is an entry in ClinVar:

NM_005883.3(APC2):c.1972C>T (p.Arg658Cys)

Gene: APC2 (APC regulator of Wnt signaling pathway 2; plus strand). Cytogenetic location: 19p13.3.
Variant type: single nucleotide variant.
Coding change: c.1972C>T on transcript NM_005883.3 (MANE Select); coding-DNA position 1972, C replaced by T.
Protein change: p.Arg658Cys; replaces arginine 658 with cysteine.
Molecular consequence: missense variant.
Genome position (GRCh38, 1-based): chr19:1,465,273, C>T. VCF-style: chr19-1465273-C-T. GRCh37 (hg19) VCF-style: chr19-1465272-C-T.
Other names: c.1969C>T, p.Arg657Cys (NM_001351273.1); short protein forms R657C, R658C.
Identifiers: ClinVar variation 2881229 (VCV002881229.3), dbSNP rs746073662, ClinGen allele CA9045372.

ClinVar aggregate classification (germline): Uncertain significance (1 of 4 stars; one submission).

Allele frequency attached by ClinVar (database versions not stated): gnomAD exomes 0.00001; TOPMed 0.00001; ExAC 0.00003; gnomAD 0.00003.
gnomAD v4.1: 20 of 1,605,790 alleles (0.0012%); highest among the groups gnomAD compares: African/African-American, 0.008%; no homozygotes.

Submission:

Labcorp Genetics (formerly Invitae), Labcorp
Classification: Uncertain significance. Last evaluated: 2023-06-25. Review status: criteria provided, single submitter. Criteria: Invitae Variant Classification Sherloc (09022015). Collection method: clinical testing. Allele origin: germline.
Comment: This variant is present in population databases (rs746073662, gnomAD 0.004%). This sequence change replaces arginine, which is basic and polar, with cysteine, which is neutral and slightly polar, at codon 658 of the APC2 protein (p.Arg658Cys). This variant has not been reported in the literature in individuals affected with APC2-related conditions. In summary, the available evidence is currently insufficient to determine the role of this variant in disease. Therefore, it has been classified as a Variant of Uncertain Significance. Advanced modeling of protein sequence and biophysical properties (such as structural, functional, and spatial information, amino acid conservation, physicochemical variation, residue mobility, and thermodynamic stability) performed at Invitae indicates that this missense variant is expected to disrupt APC2 protein function.